The following is an entry in ClinVar:

NM_032793.5(MFSD2A):c.728T>A (p.Leu243Gln)

Gene: MFSD2A (MFSD2 lysolipid transporter A, lysophospholipid; plus strand). Cytogenetic location: 1p34.2.
Variant type: single nucleotide variant.
Coding change: c.728T>A on transcript NM_032793.5 (MANE Select); coding-DNA position 728, T replaced by A.
Protein change: p.Leu243Gln; replaces leucine 243 with glutamine.
Molecular consequence: missense variant. On other transcripts: non-coding transcript variant (1).
Genome position (GRCh38, 1-based): chr1:39,966,614, T>A. VCF-style: chr1-39966614-T-A. GRCh37 (hg19) VCF-style: chr1-40432286-T-A.
Other names: c.767T>A, p.Leu256Gln (NM_001136493.3); c.260T>A, p.Leu87Gln (NM_001287808.2); c.611T>A, p.Leu204Gln (NM_001287809.2); c.722T>A, p.Leu241Gln (NM_001349821.2); c.728T>A, p.Leu243Gln (NM_001349822.2); c.383T>A, p.Leu128Gln (NM_001349823.2); short protein forms L128Q, L204Q, L241Q, L243Q, L256Q, L87Q.
Identifiers: ClinVar variation 1714855 (VCV001714855.3), dbSNP rs2522962839, ClinGen allele CA339836332.

ClinVar aggregate classification (germline): Uncertain significance (1 of 4 stars; one submission).

Submission:

Labcorp Genetics (formerly Invitae), Labcorp
Classification: Uncertain significance. Last evaluated: 2022-08-02. Review status: criteria provided, single submitter. Criteria: Invitae Variant Classification Sherloc (09022015). Collection method: clinical testing. Allele origin: germline.
Comment: In summary, the available evidence is currently insufficient to determine the role of this variant in disease. Therefore, it has been classified as a Variant of Uncertain Significance. Algorithms developed to predict the effect of missense changes on protein structure and function (SIFT, PolyPhen-2, Align-GVGD) all suggest that this variant is likely to be disruptive. This variant has not been reported in the literature in individuals affected with MFSD2A-related conditions. This variant is not present in population databases (gnomAD no frequency). This sequence change replaces leucine, which is neutral and non-polar, with glutamine, which is neutral and polar, at codon 256 of the MFSD2A protein (p.Leu256Gln).